The following is an entry in ClinVar:

NM_000540.3(RYR1):c.594A>G (p.Leu198=)

Gene: RYR1 (ryanodine receptor 1; plus strand). Cytogenetic location: 19q13.2.
Variant type: single nucleotide variant.
Coding change: c.594A>G on transcript NM_000540.3 (MANE Select); coding-DNA position 594, A replaced by G.
Protein change: p.Leu198=; no amino-acid change (leucine 198 retained).
Molecular consequence: synonymous variant.
Genome position (GRCh38, 1-based): chr19:38,444,640, A>G. VCF-style: chr19-38444640-A-G. GRCh37 (hg19) VCF-style: chr19-38935280-A-G.
Other names: p.Leu198=; c.594A>G, p.Leu198= (NM_001042723.2).
Identifiers: ClinVar variation 93277 (VCV000093277.38), dbSNP rs2229139, ClinGen allele CA024547.

ClinVar aggregate classification (germline): Benign/Likely benign. Review status: criteria provided, multiple submitters, no conflicts (2 of 4 stars). 19 submissions from 16 submitters: Benign (13); Likely benign (2). 4 of the submissions do not count toward it. Last evaluated 2026-02-04.

Conditions:
Central core myopathy (CMYO1A). Also called: CONGENITAL MYOPATHY 1A, AUTOSOMAL DOMINANT, WITH SUSCEPTIBILITY TO MALIGNANT HYPERTHERMIA; Central core disease; Myopathy, central fibrillar. Identifiers: Orphanet 597, MedGen C5830701, MONDO:0007294, OMIM 117000.
Congenital multicore myopathy with external ophthalmoplegia (CMYO1B). Also called: MULTIMINICORE DISEASE WITH EXTERNAL OPHTHALMOPLEGIA; MULTICORE MYOPATHY; Minicore myopathy with external ophthalmoplegia; Congenital myopathy 1B, autosomal recessive; Minicore myopathy. Identifiers: Orphanet 598, Orphanet 98905, MedGen C1850674, MONDO:0009712, OMIM 255320, HP:0003789.
Malignant hyperthermia, susceptibility to, 1 (MHS1). Also called: Malignant hyperthermia suceptibility 1; Anesthesia related hyperthermia; Malignant hyperpyrexia; Fulminating hyperpyrexia; Pharmacogenic myopathy; RYR1-Related Malignant Hyperthermia Susceptibility. Identifiers: Orphanet 423, MedGen C2930980, MONDO:0007783, OMIM 145600.
RYR1-related disorder. Also called: RYR1-related condition; RYR1-related disorders. Identifiers: MedGen CN239331.
King Denborough syndrome (KDS). Identifiers: MedGen C1840365, MONDO:0020485, OMIM 619542.

Allele frequency attached by ClinVar (database versions not stated): 1000 Genomes Project 0.54333; 1000 Genomes Project 30x 0.54606; ESP Exome Variant Server 0.60303; gnomAD 0.60374 and 0.60966; ExAC 0.60740; TOPMed 0.60904; gnomAD exomes 0.60933 and 0.62514.
gnomAD v4.1: 1,004,934 of 1,612,584 alleles (62%); highest among the groups gnomAD compares: Admixed American, 68%; 316,828 homozygotes.

Submissions (19):

Labcorp Genetics (formerly Invitae), Labcorp
Classification: Benign for RYR1-related disorder. Last evaluated: 2026-02-04. Review status: criteria provided, single submitter. Criteria: Invitae Variant Classification Sherloc (09022015). Collection method: clinical testing. Allele origin: germline.

Blueprint Genetics
Classification: Benign. Last evaluated: 2024-11-28. Review status: criteria provided, single submitter. Criteria: ACMG Guidelines, 2015. Collection method: clinical testing. Allele origin: germline.

Genome-Nilou Lab
Classification: Benign for Central core myopathy. Last evaluated: 2021-11-07. Review status: criteria provided, single submitter. Criteria: ACMG Guidelines, 2015. Collection method: clinical testing. Allele origin: germline. Affected: no.

Genome-Nilou Lab
Classification: Benign for King Denborough syndrome. Last evaluated: 2021-11-07. Review status: criteria provided, single submitter. Criteria: ACMG Guidelines, 2015. Collection method: clinical testing. Allele origin: germline. Affected: no.

Genome-Nilou Lab
Classification: Benign for Congenital multicore myopathy with external ophthalmoplegia. Last evaluated: 2021-11-07. Review status: criteria provided, single submitter. Criteria: ACMG Guidelines, 2015. Collection method: clinical testing. Allele origin: germline. Affected: no.

Color Diagnostics, LLC DBA Color Health
Classification: Benign for Malignant hyperthermia, susceptibility to, 1. Last evaluated: 2019-03-29. Review status: criteria provided, single submitter. Criteria: ACMG Guidelines, 2015. Collection method: clinical testing. Allele origin: germline.

PreventionGenetics, part of Exact Sciences
Classification: Benign. Last evaluated: 2018-04-03. Review status: criteria provided, single submitter. Criteria: ACMG Guidelines, 2015. Collection method: clinical testing. Allele origin: germline.

Illumina Laboratory Services, Illumina
Classification: Benign for Congenital multicore myopathy with external ophthalmoplegia. Last evaluated: 2018-01-13. Review status: criteria provided, single submitter. Criteria: ICSL Variant Classification Criteria 13 December 2019. Collection method: clinical testing. Allele origin: germline.
Comment: This variant was observed in the ICSL laboratory as part of a predisposition screen in an ostensibly healthy population. It had not been previously curated by ICSL or reported in the Human Gene Mutation Database (HGMD: prior to June 1st, 2018), and was therefore a candidate for classification through an automated scoring system. Utilizing variant allele frequency, disease prevalence and penetrance estimates, and inheritance mode, an automated score was calculated to assess if this variant is too frequent to cause the disease. Based on the score and internal cut-off values, a variant classified as benign is not then subjected to further curation. The score for this variant resulted in a classification of benign for this disease.

Illumina Laboratory Services, Illumina
Classification: Benign for Malignant hyperthermia, susceptibility to, 1. Last evaluated: 2018-01-13. Review status: criteria provided, single submitter. Criteria: ICSL Variant Classification Criteria 13 December 2019. Collection method: clinical testing. Allele origin: germline.
Comment: the same text as in the submission from Illumina Laboratory Services, Illumina above.

Mayo Clinic Laboratories, Mayo Clinic
Classification: Benign. Last evaluated: 2017-07-19. Review status: criteria provided, single submitter. Criteria: ACMG Guidelines, 2015. Collection method: clinical testing. Allele origin: germline. Observed: 681 variant alleles.

GeneDx
Classification: Benign. Last evaluated: 2016-01-25. Review status: criteria provided, single submitter. Criteria: GeneDx Variant Classification (06012015). Collection method: clinical testing. Allele origin: germline. Affected: yes.
Comment: This variant is considered likely benign or benign based on one or more of the following criteria: it is a conservative change, it occurs at a poorly conserved position in the protein, it is predicted to be benign by multiple in silico algorithms, and/or has population frequency not consistent with disease.

Laboratory for Molecular Medicine, Mass General Brigham Personalized Medicine
Classification: Benign. Last evaluated: 2015-01-13. Review status: criteria provided, single submitter. Criteria: LMM Criteria. Collection method: clinical testing. Allele origin: germline. Observed: 14 variant alleles.
Comment: p.Leu198Leu in exon 7 of RYR1: This variant is not expected to have clinical sig nificance because it does not alter an amino acid residue and is not located wit hin the splice consensus sequence. It has been identified in 47.6% (2096/4406) o f African American chromosomes from a broad population by the NHLBI Exome Sequen cing Project (dbSNP rs2229139).

Eurofins Ntd Llc (ga)
Classification: Benign. Last evaluated: 2014-06-06. Review status: criteria provided, single submitter. Criteria: EGL Classification Definitions 2015. Collection method: clinical testing. Allele origin: germline. Observed: 63 variant alleles, 35 heterozygotes, 28 homozygotes.

Genetic Services Laboratory, University of Chicago
Classification: Likely benign. Last evaluated: 2013-08-15. Review status: criteria provided, single submitter. Criteria: ACMG Guidelines, 2007. Collection method: clinical testing. Allele origin: germline. Inheritance: Autosomal unknown.
Comment: Likely benign based on allele frequency in 1000 Genomes Project or ESP global frequency and its presence in a patient with a rare or unrelated disease phenotype. NOT Sanger confirmed

Breakthrough Genomics
Classification: Likely benign. Review status: criteria provided, single submitter. Criteria: ACMG Guidelines, 2015. Collection method: not provided. Allele origin: germline. Inheritance: Autosomal recessive inheritance. Affected: yes.

Clinical Genetics, Academic Medical Center
Classification: Benign. Review status: no assertion criteria provided. Collection method: clinical testing. Allele origin: germline. Affected: yes. Study: VKGL Data-share Consensus. Not counted in ClinVar's aggregate classification.

Diagnostic Laboratory, Department of Genetics, University Medical Center Groningen
Classification: Benign. Review status: no assertion criteria provided. Collection method: clinical testing. Allele origin: germline. Affected: yes. Study: VKGL Data-share Consensus. Not counted in ClinVar's aggregate classification.

Joint Genome Diagnostic Labs from Nijmegen and Maastricht, Radboudumc and MUMC+
Classification: Benign. Review status: no assertion criteria provided. Collection method: clinical testing. Allele origin: germline. Affected: yes. Study: VKGL Data-share Consensus. Not counted in ClinVar's aggregate classification.

RYR1 database
No classification provided. Review status: no classification provided. Collection method: not provided. Allele origin: unknown. Not counted in ClinVar's aggregate classification.